The following is an entry in ClinVar:

ClinVar aggregate classification (germline): Uncertain significance (1 of 4 stars; one submission).

Submission:

GeneDx
Classification: Uncertain significance. Last evaluated: 2025-07-05. Review status: criteria provided, single submitter. Criteria: GeneDx Variant Classification Process June 2021. Collection method: clinical testing. Allele origin: germline. Affected: yes.
Comment: Not observed at significant frequency in large population cohorts (gnomAD); In silico analysis supports that this missense variant has a deleterious effect on protein structure/function; Has not been previously published as pathogenic or benign to our knowledge

NM_052874.5(STX1B):c.275T>G (p.Leu92Trp)

Gene: STX1B (syntaxin 1B; minus strand). Cytogenetic location: 16p11.2.
Variant type: single nucleotide variant.
Coding change: c.275T>G on transcript NM_052874.5 (MANE Select); coding-DNA position 275, T replaced by G.
Protein change: p.Leu92Trp; replaces leucine 92 with tryptophan.
Molecular consequence: missense variant.
Genome position (GRCh38, 1-based): chr16:31,000,933, A>C on the plus strand (T>G on the coding strand, the complement: STX1B is on the minus strand). VCF-style: chr16-31000933-A-C. GRCh37 (hg19) VCF-style: chr16-31012254-A-C.
Other names: short protein forms L92W.
Identifiers: ClinVar variation 4681018 (VCV004681018.1).
Genomic context (GRCh38, chr16:31,000,933, plus strand): 5'-ACCATGCTCCACCCACAATTCTTTTCCTTCCTGGTTGAGGGATTGTACTCCTCACCTTTC[A>C]ATTTGGACCGAACCTTGTTGGCCGTCTTCTTGATGTCTGCAGTGAGATCCTCCAGCTCCT-3'
Protein context (NP_443106.1, residues 82-102): KKTANKVRSK[Leu92Trp]KAIEQSIEQE